The following is an entry in ClinVar:

NM_020944.3(GBA2):c.1037C>T (p.Thr346Met)

Gene: GBA2 (glucosylceramidase beta 2; minus strand). Cytogenetic location: 9p13.3.
Variant type: single nucleotide variant.
Coding change: c.1037C>T on transcript NM_020944.3 (MANE Select); coding-DNA position 1037, C replaced by T.
Protein change: p.Thr346Met; replaces threonine 346 with methionine.
Molecular consequence: missense variant.
Genome position (GRCh38, 1-based): chr9:35,740,618, G>A on the plus strand (C>T on the coding strand, the complement: GBA2 is on the minus strand). VCF-style: chr9-35740618-G-A. GRCh37 (hg19) VCF-style: chr9-35740615-G-A.
Other names: p.Thr346Met; c.1037C>T, p.Thr346Met (NM_001330660.2); short protein forms T346M.
Identifiers: ClinVar variation 416642 (VCV000416642.23), dbSNP rs34353044, ClinGen allele CA5050533.

ClinVar aggregate classification (germline): Benign/Likely benign. Review status: criteria provided, multiple submitters, no conflicts (2 of 4 stars). 7 submissions from 7 submitters: Benign (3); Likely benign (3). 1 of the submissions does not count toward it. Last evaluated 2026-02-02.

Conditions:
GBA2-related disorder. Also called: GBA2-related condition.
Hereditary spastic paraplegia. Also called: Familial spastic paraparesis. Identifiers: Orphanet 685, MedGen C0037773, MONDO:0019064. Disease mechanism: loss of function.
Spastic paraplegia. Identifiers: MedGen C0037772, HP:0001258.

Allele frequency attached by ClinVar (database versions not stated): 1000 Genomes Project 30x 0.00562; gnomAD 0.00563 and 0.00613; ESP Exome Variant Server 0.00607; TOPMed 0.00640; gnomAD exomes 0.00052 and 0.00131; ExAC 0.00174; 1000 Genomes Project 0.00539.
gnomAD v4.1: 1,666 of 1,613,142 alleles (0.1%); highest among the groups gnomAD compares: African/African-American, 1.9%; 13 homozygotes.

Submissions (7):

Labcorp Genetics (formerly Invitae), Labcorp
Classification: Benign for Spastic paraplegia. Last evaluated: 2026-02-02. Review status: criteria provided, single submitter. Criteria: Invitae Variant Classification Sherloc (09022015). Collection method: clinical testing. Allele origin: germline.

Mayo Clinic Laboratories, Mayo Clinic
Classification: Benign. Last evaluated: 2025-08-04. Review status: criteria provided, single submitter. Criteria: ACMG Guidelines, 2015. Collection method: clinical testing. Allele origin: germline. Observed: 1 variant allele.
Comment: BS1, BS2, BP4_moderate

Blueprint Genetics
Classification: Likely benign. Last evaluated: 2024-11-26. Review status: criteria provided, single submitter. Criteria: ACMG Guidelines, 2015. Collection method: clinical testing. Allele origin: germline.

Genome Diagnostics Laboratory, The Hospital for Sick Children
Classification: Likely benign for Hereditary spastic paraplegia. Last evaluated: 2021-11-02. Review status: criteria provided, single submitter. Criteria: ACMG Guidelines, 2015. Collection method: clinical testing. Allele origin: germline. Affected: yes.

GeneDx
Classification: Benign. Last evaluated: 2018-12-31. Review status: criteria provided, single submitter. Criteria: GeneDx Variant Classification Process June 2021. Collection method: clinical testing. Allele origin: germline. Affected: yes.

Breakthrough Genomics
Classification: Likely benign. Review status: criteria provided, single submitter. Criteria: ACMG Guidelines, 2015. Collection method: not provided. Allele origin: germline. Inheritance: Autosomal recessive inheritance. Affected: yes.

PreventionGenetics, part of Exact Sciences
Classification: Benign for GBA2-related condition. Last evaluated: 2019-03-14. Review status: no assertion criteria provided. Collection method: clinical testing. Allele origin: germline. Not counted in ClinVar's aggregate classification.
Comment: This variant is classified as benign based on ACMG/AMP sequence variant interpretation guidelines (Richards et al. 2015 PMID: 25741868, with internal and published modifications).